The following is an entry in ClinVar:

ClinVar aggregate classification (germline): Uncertain significance (1 of 4 stars; one submission).

Submission:

Ambry Genetics
Classification: Uncertain significance. Last evaluated: 2025-09-10. Review status: criteria provided, single submitter. Criteria: Ambry Variant Classification Scheme 2023. Collection method: clinical testing. Allele origin: germline.
Comment: The p.S31N variant (also known as c.92G>A), located in coding exon 1 of the ATRIP gene, results from a G to A substitution at nucleotide position 92. The serine at codon 31 is replaced by asparagine, an amino acid with highly similar properties. This amino acid position is conserved. In addition, this alteration is predicted to be tolerated by in silico analysis. Based on the available evidence, the clinical significance of this variant remains unclear.

NM_130384.3(ATRIP):c.92G>A (p.Ser31Asn)

Genes: ATRIP (ATR interacting protein; plus strand), ATRIP-TREX1 (ATRIP-TREX1 readthrough; plus strand), LOC129936703 (ATAC-STARR-seq lymphoblastoid silent region 14331; plus strand). Cytogenetic location: 3p21.31.
Variant type: single nucleotide variant.
Coding change: c.92G>A on transcript NM_130384.3 (MANE Select); coding-DNA position 92, G replaced by A.
Protein change: p.Ser31Asn; replaces serine 31 with asparagine.
Molecular consequence: missense variant. On other transcripts: non-coding transcript variant (1), intron variant (1).
Genome position (GRCh38, 1-based): chr3:48,446,937, G>A. VCF-style: chr3-48446937-G-A. GRCh37 (hg19) VCF-style: chr3-48488341-G-A.
Other names: c.92G>A, p.Ser31Asn (NM_032166.4); c.-218+138G>A (NM_001271022.2); short protein forms S31N.
Identifiers: ClinVar variation 4182779 (VCV004182779.1).
Genomic context (GRCh38, chr3:48,446,937, plus strand): 5'-GGCGGAGCGAGCCCCCGGCGCCTCGCCCCGGCCCGCCGCCGGGCACCGGGCACCCCCCGA[G>A]CAAGCGGGCCCGGGGCTTCTCCGCAGCCGCTGCCCCGGACCCTGACGACCCGTTCGGCGC-3'
Protein context (NP_569055.1, residues 21-41): GPPPGTGHPP[Ser31Asn]KRARGFSAAA